The following is an entry in ClinVar:

NM_058195.4(CDKN2A):c.75T>C (p.Val25=)

Gene: CDKN2A (cyclin dependent kinase inhibitor 2A; minus strand). Cytogenetic location: 9p21.3.
Variant type: single nucleotide variant.
Coding change: c.75T>C on transcript NM_058195.4 (MANE Plus Clinical); coding-DNA position 75, T replaced by C.
Protein change: p.Val25=; no amino-acid change (valine 25 retained).
Molecular consequence: synonymous variant. On other transcripts: intron variant (1).
Genome position (GRCh38, 1-based): chr9:21,994,257, A>G on the plus strand (T>C on the coding strand, the complement: CDKN2A is on the minus strand). VCF-style: chr9-21994257-A-G. GRCh37 (hg19) VCF-style: chr9-21994256-A-G.
Other names: c.-4+564T>C (NM_001363763.2).
Identifiers: ClinVar variation 385779 (VCV000385779.9), dbSNP rs1057522328, ClinGen allele CA16605672.

ClinVar aggregate classification (germline): Benign/Likely benign. Review status: criteria provided, multiple submitters, no conflicts (2 of 4 stars). 4 submissions from 4 submitters: Benign (1); Likely benign (3). Last evaluated 2025-08-12.

Conditions:
Familial melanoma. Also called: Hereditary melanoma; Hereditary cutaneous melanoma. Identifiers: Orphanet 618, MedGen C1512419, MONDO:0018961.
Hereditary cancer-predisposing syndrome. Also called: Neoplastic Syndromes, Hereditary; Hereditary Cancer Syndrome; Tumor predisposition; Hereditary neoplastic syndrome. Identifiers: Orphanet 140162, MedGen C0027672, MeSH D009386, MONDO:0015356.
Melanoma-pancreatic cancer syndrome. Identifiers: Orphanet 404560, MedGen C1838547, MONDO:0011713, OMIM 606719. Disease mechanism: loss of function.

Allele frequency attached by ClinVar (database versions not stated): gnomAD exomes below 0.00001.
gnomAD v4.1: 2 of 1,606,274 alleles (0.00012%); highest among the groups gnomAD compares: Admixed American, 0.0033%; no homozygotes.

Submissions (4):

Myriad Genetics, Inc.
Classification: Benign for Melanoma-pancreatic cancer syndrome. Last evaluated: 2025-08-12. Review status: criteria provided, single submitter. Criteria: Myriad Autosomal Dominant, Autosomal Recessive and X-Linked Classification Criteria (2023). Collection method: clinical testing. Allele origin: unknown.
Comment: This variant is considered benign. This variant is a silent/synonymous amino acid change and it is not expected to impact splicing.

Ambry Genetics
Classification: Likely benign for Hereditary cancer-predisposing syndrome. Last evaluated: 2020-12-16. Review status: criteria provided, single submitter. Criteria: Ambry Variant Classification Scheme 2023. Collection method: clinical testing. Allele origin: germline.

Labcorp Genetics (formerly Invitae), Labcorp
Classification: Likely benign for Familial melanoma. Last evaluated: 2020-11-27. Review status: criteria provided, single submitter. Criteria: Invitae Variant Classification Sherloc (09022015). Collection method: clinical testing. Allele origin: germline.

GeneDx
Classification: Likely benign. Last evaluated: 2016-04-25. Review status: criteria provided, single submitter. Criteria: GeneDx Variant Classification (06012015). Collection method: clinical testing. Allele origin: germline. Affected: yes.
Comment: This variant is considered likely benign or benign based on one or more of the following criteria: it is a conservative change, it occurs at a poorly conserved position in the protein, it is predicted to be benign by multiple in silico algorithms, and/or has population frequency not consistent with disease.